The following is an entry in ClinVar:

ClinVar aggregate classification (germline): Uncertain significance. Review status: criteria provided, multiple submitters, no conflicts (2 of 4 stars). 2 submissions from 2 submitters: Uncertain significance (2). Last evaluated 2025-12-02.

Conditions:
Renal cell carcinoma. Identifiers: Orphanet 217071, MedGen C0007134, MeSH D002292, MONDO:0005086, HP:0005584.
Hereditary cancer-predisposing syndrome. Also called: Neoplastic Syndromes, Hereditary; Tumor predisposition; Hereditary neoplastic syndrome; Hereditary Cancer Syndrome. Identifiers: Orphanet 140162, MedGen C0027672, MeSH D009386, MONDO:0015356.

Allele frequency attached by ClinVar (database versions not stated): gnomAD 0.00001; TOPMed 0.00001.
gnomAD v4.1: 1 of 1,611,550 alleles (0.000062%); highest among the groups gnomAD compares: African/African-American, 0.0013%; no homozygotes.

Submissions (2):

Labcorp Genetics (formerly Invitae), Labcorp
Classification: Uncertain significance for Renal cell carcinoma. Last evaluated: 2025-12-02. Review status: criteria provided, single submitter. Criteria: Invitae Variant Classification Sherloc (09022015). Collection method: clinical testing. Allele origin: germline.
Comment: This sequence change replaces proline, which is neutral and non-polar, with arginine, which is basic and polar, at codon 885 of the MET protein (p.Pro885Arg). This variant is not present in population databases (gnomAD no frequency). This variant has not been reported in the literature in individuals affected with MET-related conditions. ClinVar contains an entry for this variant (Variation ID: 1370299). Invitae Evidence Modeling of protein sequence and biophysical properties (such as structural, functional, and spatial information, amino acid conservation, physicochemical variation, residue mobility, and thermodynamic stability) indicates that this missense variant is not expected to disrupt MET protein function with a negative predictive value of 80%. In summary, the available evidence is currently insufficient to determine the role of this variant in disease. Therefore, it has been classified as a Variant of Uncertain Significance.

Ambry Genetics
Classification: Uncertain significance for Hereditary cancer-predisposing syndrome. Last evaluated: 2022-09-21. Review status: criteria provided, single submitter. Criteria: Ambry Variant Classification Scheme 2023. Collection method: clinical testing. Allele origin: germline.
Comment: The p.P885R variant (also known as c.2654C>G), located in coding exon 11 of the MET gene, results from a C to G substitution at nucleotide position 2654. The proline at codon 885 is replaced by arginine, an amino acid with dissimilar properties. This amino acid position is conserved. In addition, this alteration is predicted to be tolerated by in silico analysis. Since supporting evidence is limited at this time, the clinical significance of this alteration remains unclear.

NM_000245.4(MET):c.2600C>G (p.Pro867Arg)

Gene: MET (MET proto-oncogene, receptor tyrosine kinase; plus strand). Cytogenetic location: 7q31.2.
Variant type: single nucleotide variant.
Coding change: c.2600C>G on transcript NM_000245.4 (MANE Select); coding-DNA position 2600, C replaced by G.
Protein change: p.Pro867Arg; replaces proline 867 with arginine.
Molecular consequence: missense variant.
Genome position (GRCh38, 1-based): chr7:116,769,661, C>G. VCF-style: chr7-116769661-C-G. GRCh37 (hg19) VCF-style: chr7-116409715-C-G.
Other names: c.2654C>G, p.Pro885Arg (NM_001127500.3); c.2600C>G, p.Pro867Arg (NM_001324401.3); c.1310C>G, p.Pro437Arg (NM_001324402.2); short protein forms P885R, P437R, P867R.
Identifiers: ClinVar variation 1370299 (VCV001370299.10), dbSNP rs983062105, ClinGen allele CA164903413.
Genomic context (GRCh38, chr7:116,769,661, plus strand): 5'-AACTGTGAAGTGTTAACAACCTTTTTTTTTTTTTTTCCTTTCAGGGAAATGATATTGACC[C>G]TGAAGCAGTTAAAGGTGAAGTGTTAAAAGTTGGAAATAAGAGCTGTGAGAATATACACTT-3'
Protein context (NP_000236.2, residues 857-877): VLEIKGNDID[Pro867Arg]EAVKGEVLKV